The following is an entry in ClinVar:

ClinVar aggregate classification (germline): Uncertain significance (1 of 4 stars; one submission).

Submission:

Labcorp Genetics (formerly Invitae), Labcorp
Classification: Uncertain significance. Last evaluated: 2022-07-06. Review status: criteria provided, single submitter. Criteria: Invitae Variant Classification Sherloc (09022015). Collection method: clinical testing. Allele origin: germline.
Comment: This sequence change replaces proline, which is neutral and non-polar, with serine, which is neutral and polar, at codon 847 of the CDH23 protein (p.Pro847Ser). This variant is not present in population databases (gnomAD no frequency). This variant has not been reported in the literature in individuals affected with CDH23-related conditions. Algorithms developed to predict the effect of missense changes on protein structure and function are either unavailable or do not agree on the potential impact of this missense change (SIFT: "Deleterious"; PolyPhen-2: "Not Available"; Align-GVGD: "Class C65"). In summary, the available evidence is currently insufficient to determine the role of this variant in disease. Therefore, it has been classified as a Variant of Uncertain Significance.

NM_022124.6(CDH23):c.2539C>T (p.Pro847Ser)

Gene: CDH23 (cadherin related 23; plus strand). Cytogenetic location: 10q22.1.
Variant type: single nucleotide variant.
Coding change: c.2539C>T on transcript NM_022124.6 (MANE Select); coding-DNA position 2539, C replaced by T.
Protein change: p.Pro847Ser; replaces proline 847 with serine.
Molecular consequence: missense variant.
Genome position (GRCh38, 1-based): chr10:71,702,163, C>T. VCF-style: chr10-71702163-C-T. GRCh37 (hg19) VCF-style: chr10-73461920-C-T.
Other names: c.2539C>T, p.Pro847Ser (NM_001171930.2, NM_001171931.2); short protein forms P847S.
Identifiers: ClinVar variation 2184945 (VCV002184945.1), dbSNP rs2494047841, ClinGen allele CA377137740.